The following is an entry in ClinVar:

ClinVar aggregate classification (germline): Uncertain significance (1 of 4 stars; one submission).

Conditions:
Pheochromocytoma. Also called: MAX-Related Hereditary Paraganglioma-Pheochromocytoma Syndrome. Identifiers: Orphanet 29072, MedGen C0031511, MONDO:0008233, OMIM 171300, HP:0002666.
Gastrointestinal stromal tumor. Also called: Gastrointestinal stromal tumor, somatic; Gastrointestinal stroma tumor. Identifiers: Orphanet 44890, MedGen C0238198, MeSH D046152, MONDO:0011719, OMIM 606764, HP:0100723.
Pheochromocytoma/paraganglioma syndrome 4. Also called: CAROTID BODY TUMORS AND MULTIPLE EXTRAADRENAL PHEOCHROMOCYTOMAS; PARAGANGLIOMA, FAMILIAL MALIGNANT; PARAGANGLIOMAS, HEREDITARY EXTRAADRENAL; PHEOCHROMOCYTOMA, FAMILIAL EXTRAADRENAL; Paragangliomas 4; SDHB-Related Hereditary Paraganglioma-Pheochromocytoma Syndrome (Paragangliomas 4). Identifiers: Orphanet 29072, MedGen C1861848, MONDO:0007273, OMIM 115310.

Submission:

Labcorp Genetics (formerly Invitae), Labcorp
Classification: Uncertain significance for Gastrointestinal stromal tumor; Pheochromocytoma/paraganglioma syndrome 4; Pheochromocytoma. Last evaluated: 2023-03-18. Review status: criteria provided, single submitter. Criteria: Invitae Variant Classification Sherloc (09022015). Collection method: clinical testing. Allele origin: germline.
Comment: In summary, the available evidence is currently insufficient to determine the role of this variant in disease. Therefore, it has been classified as a Variant of Uncertain Significance. Advanced modeling of protein sequence and biophysical properties (such as structural, functional, and spatial information, amino acid conservation, physicochemical variation, residue mobility, and thermodynamic stability) performed at Invitae indicates that this missense variant is expected to disrupt SDHB protein function. This variant has not been reported in the literature in individuals affected with SDHB-related conditions. This variant is not present in population databases (gnomAD no frequency). This sequence change replaces isoleucine, which is neutral and non-polar, with threonine, which is neutral and polar, at codon 263 of the SDHB protein (p.Ile263Thr).

NM_003000.3(SDHB):c.788T>C (p.Ile263Thr)

Gene: SDHB (succinate dehydrogenase complex iron sulfur subunit B; minus strand). Cytogenetic location: 1p36.13.
Variant type: single nucleotide variant.
Coding change: c.788T>C on transcript NM_003000.3 (MANE Select); coding-DNA position 788, T replaced by C.
Protein change: p.Ile263Thr; replaces isoleucine 263 with threonine.
Molecular consequence: missense variant.
Genome position (GRCh38, 1-based): chr1:17,018,936, A>G on the plus strand (T>C on the coding strand, the complement: SDHB is on the minus strand). VCF-style: chr1-17018936-A-G. GRCh37 (hg19) VCF-style: chr1-17345431-A-G.
Other names: c.734T>C, p.Ile245Thr (NM_001407361.1); short protein forms I263T, I245T.
Identifiers: ClinVar variation 2945424 (VCV002945424.3), dbSNP rs2524995059, ClinGen allele CA338268961.